The following is an entry in ClinVar:

NM_000069.3(CACNA1S):c.887_899del (p.Asp296fs)

Gene: CACNA1S (calcium voltage-gated channel subunit alpha1 S; minus strand). Cytogenetic location: 1q32.1.
Variant type: Deletion.
Coding change: c.887_899del on transcript NM_000069.3 (MANE Select); coding-DNA positions 887 to 899, 13 bases deleted (ACGTCCTTTACTG).
Protein change: p.Asp296fs; shifts the reading frame from aspartic acid 296.
Molecular consequence: frameshift variant.
Genome position (GRCh38, 1-based): chr1:201,089,259-201,089,271, CAGTAAAGGACGT deleted on the plus strand (ACGTCCTTTACTG on the coding strand, the reverse complement: CACNA1S is on the minus strand); deleting any 13 consecutive bases within chr1:201,089,259-201,089,275 gives the same sequence; the c. name uses the placement nearest the transcript's 3' end. VCF-style (leftmost placement, unchanged base first): chr1-201089258-CCAGTAAAGGACGT-C. GRCh37 (hg19) VCF-style: chr1-201058386-CCAGTAAAGGACGT-C.
Other names: short protein forms D296fs.
Identifiers: ClinVar variation 3234648 (VCV003234648.20), dbSNP rs2464613552, ClinGen allele CA2825000888.

ClinVar aggregate classification (germline): Pathogenic (1 of 4 stars; one submission).

Submission:

CeGaT Center for Human Genetics Tuebingen
Classification: Pathogenic. Last evaluated: 2024-04-01. Review status: criteria provided, single submitter. Criteria: CeGaT Center For Human Genetics Tuebingen Variant Classification Criteria Version 2. Collection method: clinical testing. Allele origin: germline. Affected: yes. Observed: 1 variant allele.
Comment: CACNA1S: PVS1, PM2